The following is an entry in ClinVar:

ClinVar aggregate classification (germline): Conflicting classifications of pathogenicity. Review status: criteria provided, conflicting classifications (1 of 4 stars). 3 submissions from 3 submitters: Uncertain significance (1); Likely benign (1). 1 of the submissions does not count toward it. Last evaluated 2020-03-25.

Conditions:
GJB3-related disorder. Also called: GJB3-related condition.

Allele frequency attached by ClinVar (database versions not stated): gnomAD exomes 0.00003 and 0.00010; ExAC 0.00015; gnomAD 0.00034 and 0.00035; TOPMed 0.00034; ESP Exome Variant Server 0.00054; 1000 Genomes Project 0.00060; 1000 Genomes Project 30x 0.00078.
gnomAD v4.1: 93 of 1,611,622 alleles (0.0058%); highest among the groups gnomAD compares: African/African-American, 0.097%; no homozygotes.

Submissions (3):

GeneDx
Classification: Likely benign. Last evaluated: 2020-03-25. Review status: criteria provided, single submitter. Criteria: GeneDx Variant Classification Process June 2021. Collection method: clinical testing. Allele origin: germline. Affected: yes.

Laboratory for Molecular Medicine, Mass General Brigham Personalized Medicine
Classification: Uncertain significance. Last evaluated: 2013-10-11. Review status: criteria provided, single submitter. Criteria: LMM Criteria. Collection method: clinical testing. Allele origin: germline. Observed: 1 variant allele.
Comment: Variant classified as Uncertain Significance - Favor Benign. The -4C>T variant i n GJB3 has not been reported in individuals with hearing loss, but has been iden tified in 0.16% (7/4406) of African American chromosomes by the NHLBI Exome Sequ encing Project (dbSNP rs200902087). This vari ant occurs 4 bp upstream of the translation initiation site in the 5' untranslat ed region, and, without functional studies, its impact on the translation of the protein cannot be predicted. In summary, additional data is needed to determine the clinical significance of this variant.

PreventionGenetics, part of Exact Sciences
Classification: Likely benign for GJB3-related condition. Last evaluated: 2019-04-04. Review status: no assertion criteria provided. Collection method: clinical testing. Allele origin: germline. Not counted in ClinVar's aggregate classification.
Comment: This variant is classified as likely benign based on ACMG/AMP sequence variant interpretation guidelines (Richards et al. 2015 PMID: 25741868, with internal and published modifications).

NM_024009.3(GJB3):c.-4C>T

Gene: GJB3 (gap junction protein beta 3; plus strand). Cytogenetic location: 1p34.3.
Variant type: single nucleotide variant.
Coding change: c.-4C>T on transcript NM_024009.3 (MANE Select); 4 bases upstream of the start codon, C replaced by T.
Molecular consequence: 5 prime UTR variant.
Genome position (GRCh38, 1-based): chr1:34,784,759, C>T. VCF-style: chr1-34784759-C-T. GRCh37 (hg19) VCF-style: chr1-35250360-C-T.
Other names: c.-4C>T (NM_001005752.2).
Identifiers: ClinVar variation 163526 (VCV000163526.9), dbSNP rs200902087, ClinGen allele CA176164.
Genomic context (GRCh38, chr1:34,784,759, plus strand): 5'-TATTCATTCATACGATGGTTTTTCCTCTAATTCTCTCAGGTAGGCACGGCCCCCACCAGG[C>T]GCCATGGACTGGAAGACACTCCAGGCCCTACTGAGCGGTGTGAACAAGTACTCCACAGCG-3'